The following is an entry in ClinVar:

ClinVar aggregate classification (germline): Pathogenic (1 of 4 stars; one submission).

Conditions:
Idiopathic Pulmonary Fibrosis. Also called: Idiopathic fibrosing alveolitis, chronic form; idiopathic fibrosing alveolitis. Identifiers: Orphanet 2032, MedGen C1800706, MeSH D054990, MONDO:0800504.
Dyskeratosis congenita, autosomal dominant 2. Identifiers: MedGen C3151443, MONDO:0013521, OMIM 613989.

Submission:

Labcorp Genetics (formerly Invitae), Labcorp
Classification: Pathogenic for Dyskeratosis congenita, autosomal dominant 2; Idiopathic Pulmonary Fibrosis. Last evaluated: 2024-04-16. Review status: criteria provided, single submitter. Criteria: Invitae Variant Classification Sherloc (09022015). Collection method: clinical testing. Allele origin: germline.
Comment: This sequence change creates a premature translational stop signal (p.Phe975Trpfs*63) in the TERT gene. It is expected to result in an absent or disrupted protein product. Loss-of-function variants in TERT are known to be pathogenic (PMID: 16247010, 17460043). This variant is not present in population databases (gnomAD no frequency). This variant has not been reported in the literature in individuals affected with TERT-related conditions. For these reasons, this variant has been classified as Pathogenic.

Literature cited by the submitters: PubMed 16247010; PubMed 17460043.

NM_198253.3(TERT):c.2924_2925del (p.Phe975fs)

Gene: TERT (telomerase reverse transcriptase; minus strand). Cytogenetic location: 5p15.33.
Variant type: Deletion.
Coding change: c.2924_2925del on transcript NM_198253.3 (MANE Select); coding-DNA positions 2924 to 2925, 2 bases deleted (TT; older notation c.2924_2925delTT).
Protein change: p.Phe975fs; shifts the reading frame from phenylalanine 975.
Molecular consequence: frameshift variant. On other transcripts: non-coding transcript variant (2).
Genome position (GRCh38, 1-based): chr5:1,260,519-1,260,520, AA deleted on the plus strand (TT on the coding strand, the reverse complement: TERT is on the minus strand); deleting any 2 consecutive bases within chr5:1,260,519-1,260,521 gives the same sequence; the c. name uses the placement nearest the transcript's 3' end. VCF-style (leftmost placement, unchanged base first): chr5-1260518-CAA-C. GRCh37 (hg19) VCF-style: chr5-1260633-CAA-C.
Other names: c.2735_2736del, p.Phe912fs (NM_001193376.3); c.2923_2924delTT, p.Phe975Trpfs (NM_003219.1); short protein forms F912fs, F975fs.
Identifiers: ClinVar variation 2926044 (VCV002926044.3), dbSNP rs1579551402, ClinGen allele CA917398054.